The following is an entry in ClinVar:

ClinVar aggregate classification (germline): Likely benign (1 of 4 stars; one submission).

Submission:

GeneDx
Classification: Likely benign. Last evaluated: 2017-01-05. Review status: criteria provided, single submitter. Criteria: GeneDx Variant Classification (06012015). Collection method: clinical testing. Allele origin: germline. Affected: yes.
Comment: This variant is considered likely benign or benign based on one or more of the following criteria: it is a conservative change, it occurs at a poorly conserved position in the protein, it is predicted to be benign by multiple in silico algorithms, and/or has population frequency not consistent with disease.

NM_001267550.2(TTN):c.295+6C>T

Gene: TTN (titin; minus strand). Cytogenetic location: 2q31.2.
Variant type: single nucleotide variant.
Coding change: c.295+6C>T on transcript NM_001267550.2 (MANE Select); 6 bases into the intron after coding-DNA position 295, C replaced by T.
Molecular consequence: intron variant.
Genome position (GRCh38, 1-based): chr2:178,802,132, G>A on the plus strand (C>T on the coding strand, the complement: TTN is on the minus strand). VCF-style: chr2-178802132-G-A. GRCh37 (hg19) VCF-style: chr2-179666859-G-A.
Other names: c.295+6C>T (NM_003319.4, NM_133437.4, NM_133432.3 and 3 more transcripts).
Identifiers: ClinVar variation 392352 (VCV000392352.1), dbSNP rs1057524454, ClinGen allele CA16604065.